The following is an entry in ClinVar:

NM_001035.3(RYR2):c.1941del (p.Leu648_Val649insTer)

Gene: RYR2 (ryanodine receptor 2; plus strand). Cytogenetic location: 1q43.
Variant type: Deletion.
Coding change: c.1941del on transcript NM_001035.3 (MANE Select); coding-DNA position 1941, one base deleted (T; older notation c.1941delT).
Protein change: p.Leu648_Val649insTer.
Molecular consequence: frameshift variant.
Genome position (GRCh38, 1-based): chr1:237,493,067, T deleted. VCF-style (leftmost placement, unchanged base first): chr1-237493066-GT-G. GRCh37 (hg19) VCF-style: chr1-237656366-GT-G.
Identifiers: ClinVar variation 2695756 (VCV002695756.3), dbSNP rs2545803607, ClinGen allele CA2697547721.
Genomic context (GRCh38, chr1:237,493,066, plus strand): 5'-CTAACCAGCATCTCATCTGTGACAATCTCCTACCAGGAAGAGACTTGTTATTGCAGACAC[GT>G]CTTGTGAACCATGTCAGCAGGTAAATTCAGACAGACAATGTCACCTGACAGGTACCATAA-3'

ClinVar aggregate classification (germline): Uncertain significance (1 of 4 stars; one submission).

Conditions:
Catecholaminergic polymorphic ventricular tachycardia 1. Also called: VENTRICULAR TACHYCARDIA, CATECHOLAMINERGIC POLYMORPHIC, 1, WITH OR WITHOUT ATRIAL DYSFUNCTION AND/OR DILATED CARDIOMYOPATHY; VENTRICULAR TACHYCARDIA, STRESS-INDUCED POLYMORPHIC 1; RYR2-Related Catecholaminergic Polymorphic Ventricular Tachycardia. Identifiers: Orphanet 3286, MedGen C1631597, MONDO:0011484, OMIM 604772.

Submission:

Labcorp Genetics (formerly Invitae), Labcorp
Classification: Uncertain significance for Catecholaminergic polymorphic ventricular tachycardia 1. Last evaluated: 2023-11-14. Review status: criteria provided, single submitter. Criteria: Invitae Variant Classification Sherloc (09022015). Collection method: clinical testing. Allele origin: germline.
Comment: This sequence change creates a premature translational stop signal (p.Val649*) in the RYR2 gene. It is expected to result in an absent or disrupted protein product. However, the current clinical and genetic evidence is not sufficient to establish whether loss-of-function variants in RYR2 cause disease. This variant is not present in population databases (gnomAD no frequency). This variant has not been reported in the literature in individuals affected with RYR2-related conditions. In summary, the available evidence is currently insufficient to determine the role of this variant in disease. Therefore, it has been classified as a Variant of Uncertain Significance.